The following is an entry in ClinVar:

ClinVar aggregate classification (germline): Pathogenic (1 of 4 stars; one submission).

Submission:

Labcorp Genetics (formerly Invitae), Labcorp
Classification: Pathogenic. Last evaluated: 2023-05-28. Review status: criteria provided, single submitter. Criteria: Invitae Variant Classification Sherloc (09022015). Collection method: clinical testing. Allele origin: germline.
Comment: This sequence change creates a premature translational stop signal (p.Gly1365*) in the DUOX2 gene. It is expected to result in an absent or disrupted protein product. Loss-of-function variants in DUOX2 are known to be pathogenic (PMID: 12110737, 18765513, 21565790, 24423310, 24735383). For these reasons, this variant has been classified as Pathogenic. Algorithms developed to predict the effect of sequence changes on RNA splicing suggest that this variant may disrupt the consensus splice site. This variant has not been reported in the literature in individuals affected with DUOX2-related conditions. This variant is not present in population databases (gnomAD no frequency).

Literature cited by the submitters: PubMed 12110737; PubMed 18765513; PubMed 21565790; PubMed 24423310; PubMed 24735383.

NM_001363711.2(DUOX2):c.4093G>T (p.Gly1365Ter)

Gene: DUOX2 (dual oxidase 2; minus strand). Cytogenetic location: 15q21.1.
Variant type: single nucleotide variant.
Coding change: c.4093G>T on transcript NM_001363711.2 (MANE Select); coding-DNA position 4093, G replaced by T.
Protein change: p.Gly1365Ter; replaces glycine 1365 with a stop codon.
Molecular consequence: nonsense.
Genome position (GRCh38, 1-based): chr15:45,095,583, C>A on the plus strand (G>T on the coding strand, the complement: DUOX2 is on the minus strand). VCF-style: chr15-45095583-C-A. GRCh37 (hg19) VCF-style: chr15-45387781-C-A.
Other names: c.4093G>T, p.Gly1365Ter (NM_014080.5); short protein forms G1365*.
Identifiers: ClinVar variation 2815445 (VCV002815445.3), dbSNP rs1274423913, ClinGen allele CA392251812.